The following is an entry in ClinVar:

NM_178822.5(IGSF10):c.6483T>C (p.Leu2161=)

Gene: IGSF10 (immunoglobulin superfamily member 10; minus strand). Cytogenetic location: 3q25.1.
Variant type: single nucleotide variant.
Coding change: c.6483T>C on transcript NM_178822.5 (MANE Select); coding-DNA position 6483, T replaced by C.
Protein change: p.Leu2161=; no amino-acid change (leucine 2161 retained).
Molecular consequence: synonymous variant.
Genome position (GRCh38, 1-based): chr3:151,438,078, A>G on the plus strand (T>C on the coding strand, the complement: IGSF10 is on the minus strand). VCF-style: chr3-151438078-A-G. GRCh37 (hg19) VCF-style: chr3-151155866-A-G.
Other names: c.420T>C, p.Leu140= (NM_001178145.3, NM_001178146.3); c.6483T>C, p.Leu2161= (NM_001385060.1, NM_001385061.1, NM_001385062.1 and 1 more transcripts).
Identifiers: ClinVar variation 773140 (VCV000773140.13), dbSNP rs79460060, ClinGen allele CA2669501.

ClinVar aggregate classification (germline): Benign. Review status: criteria provided, multiple submitters, no conflicts (2 of 4 stars). 3 submissions from 3 submitters: Benign (2). 1 of the submissions does not count toward it. Last evaluated 2026-01-19.

Conditions:
IGSF10-related disorder. Also called: IGSF10-related condition.

Allele frequency attached by ClinVar (database versions not stated): gnomAD exomes 0.00151 and 0.00431; ExAC 0.00535; gnomAD 0.01576 and 0.01685; TOPMed 0.01783; 1000 Genomes Project 0.01817; 1000 Genomes Project 30x 0.01874; ESP Exome Variant Server 0.01945.
gnomAD v4.1: 4,741 of 1,614,206 alleles (0.29%); highest among the groups gnomAD compares: African/African-American, 5.5%; 120 homozygotes.

Submissions (3):

Labcorp Genetics (formerly Invitae), Labcorp
Classification: Benign. Last evaluated: 2026-01-19. Review status: criteria provided, single submitter. Criteria: Invitae Variant Classification Sherloc (09022015). Collection method: clinical testing. Allele origin: germline.

Breakthrough Genomics
Classification: Benign. Review status: criteria provided, single submitter. Criteria: ACMG Guidelines, 2015. Collection method: not provided. Allele origin: germline. Inheritance: Unknown mechanism. Affected: yes.

PreventionGenetics, part of Exact Sciences
Classification: Benign for IGSF10-related condition. Last evaluated: 2019-02-24. Review status: no assertion criteria provided. Collection method: clinical testing. Allele origin: germline. Not counted in ClinVar's aggregate classification.
Comment: This variant is classified as benign based on ACMG/AMP sequence variant interpretation guidelines (Richards et al. 2015 PMID: 25741868, with internal and published modifications).